The following is an entry in ClinVar:

NM_001164508.2(NEB):c.20791A>T (p.Lys6931Ter)

Gene: NEB (nebulin; minus strand). Cytogenetic location: 2q23.3.
Variant type: single nucleotide variant.
Coding change: c.20791A>T on transcript NM_001164508.2 (MANE Select); coding-DNA position 20791, A replaced by T.
Protein change: p.Lys6931Ter; replaces lysine 6931 with a stop codon.
Molecular consequence: nonsense.
Genome position (GRCh38, 1-based): chr2:151,540,445, T>A on the plus strand (A>T on the coding strand, the complement: NEB is on the minus strand). VCF-style: chr2-151540445-T-A. GRCh37 (hg19) VCF-style: chr2-152396959-T-A.
Other names: c.20791A>T, p.Lys6931Ter (NM_001164507.2, NM_001271208.2); c.15688A>T, p.Lys5230Ter (NM_004543.5); short protein forms K5230*, K6931*.
Identifiers: ClinVar variation 2860931 (VCV002860931.4), dbSNP rs2552155031, ClinGen allele CA348777339.

ClinVar aggregate classification (germline): Pathogenic/Likely pathogenic. Review status: criteria provided, multiple submitters, no conflicts (2 of 4 stars). 2 submissions from 2 submitters: Pathogenic (1); Likely pathogenic (1). Last evaluated 2025-07-21.

Conditions:
Nemaline myopathy 2 (NEM2). Also called: Nemaline myopathy 2, autosomal recessive. Identifiers: MedGen C1850569, MONDO:0009725, OMIM 256030.

Submissions (2):

Natera, Inc.
Classification: Likely pathogenic for Nemaline myopathy type 2. Last evaluated: 2025-07-21. Review status: criteria provided, single submitter. Criteria: Natera Variant Classification Schema (03/2026). Collection method: clinical testing. Allele origin: germline.
Comment: The c.20791A>T variant in NEB is a nonsense variant predicted to introduce a stop codon at amino acid 6931. This variant is expected to result in nonsense mediated decay, truncation, or a dysfunctional protein product. This variant is rare in the general population with a frequency below the threshold expected for the associated phenotype(s). Given the available evidence, this variant is classified as Likely Pathogenic.

Labcorp Genetics (formerly Invitae), Labcorp
Classification: Pathogenic for Nemaline myopathy 2. Last evaluated: 2023-04-30. Review status: criteria provided, single submitter. Criteria: Invitae Variant Classification Sherloc (09022015). Collection method: clinical testing. Allele origin: germline.
Comment: For these reasons, this variant has been classified as Pathogenic. This variant has not been reported in the literature in individuals affected with NEB-related conditions. This variant is not present in population databases (gnomAD no frequency). This sequence change creates a premature translational stop signal (p.Lys6931*) in the NEB gene. It is expected to result in an absent or disrupted protein product. Loss-of-function variants in NEB are known to be pathogenic (PMID: 25205138).

Literature cited by the submitters: PubMed 25205138 (cited by Labcorp Genetics (formerly Invitae), Labcorp).